The following is an entry in ClinVar:

NM_001358235.2(DCHS2):c.2556T>C (p.Gly852=)

Gene: DCHS2 (dachsous cadherin-related 2; minus strand). Cytogenetic location: 4q31.3.
Variant type: single nucleotide variant.
Coding change: c.2556T>C on transcript NM_001358235.2 (MANE Select); coding-DNA position 2556, T replaced by C.
Protein change: p.Gly852=; no amino-acid change (glycine 852 retained).
Molecular consequence: synonymous variant.
Genome position (GRCh38, 1-based): chr4:154,335,025, A>G on the plus strand (T>C on the coding strand, the complement: DCHS2 is on the minus strand). VCF-style: chr4-154335025-A-G. GRCh37 (hg19) VCF-style: chr4-155256177-A-G.
Other names: c.2556T>C, p.Gly852= (NM_001142552.2); c.2556C=, p.Gly852= (NM_001412223.1).
Identifiers: ClinVar variation 3060776 (VCV003060776.2), dbSNP rs6858157, ClinGen allele CA3113416.

ClinVar aggregate classification (germline): Benign (0 of 4 stars; one submission).

Conditions:
DCHS2-related disorder. Also called: DCHS2-related condition.

Allele frequency attached by ClinVar (database versions not stated): ESP Exome Variant Server 0.32962; TOPMed 0.33082; gnomAD 0.33635; gnomAD exomes 0.34015; ExAC 0.34553; 1000 Genomes Project 0.34864; 1000 Genomes Project 30x 0.34963.
gnomAD v4.1: 548,199 of 1,613,030 alleles (34%); highest among the groups gnomAD compares: East Asian, 42%; 93,809 homozygotes.

Submission:

PreventionGenetics, part of Exact Sciences
Classification: Benign for DCHS2-related condition. Last evaluated: 2019-10-21. Review status: no assertion criteria provided. Collection method: clinical testing. Allele origin: germline.
Comment: This variant is classified as benign based on ACMG/AMP sequence variant interpretation guidelines (Richards et al. 2015 PMID: 25741868, with internal and published modifications).